The following is an entry in ClinVar:

ClinVar aggregate classification (germline): Uncertain significance (1 of 4 stars; one submission).

Conditions:
Perlman syndrome (PRLMNS). Identifiers: Orphanet 2849, MedGen C0796113, MONDO:0009965, OMIM 267000.

Allele frequency attached by ClinVar (database versions not stated): ESP Exome Variant Server 0.00008.
gnomAD v4.1: 8 of 1,614,178 alleles (0.0005%); highest among the groups gnomAD compares: Admixed American, 0.0017%; no homozygotes.

Submission:

Labcorp Genetics (formerly Invitae), Labcorp
Classification: Uncertain significance for Perlman syndrome. Last evaluated: 2025-12-01. Review status: criteria provided, single submitter. Criteria: Invitae Variant Classification Sherloc (09022015). Collection method: clinical testing. Allele origin: germline.
Comment: This sequence change replaces arginine, which is basic and polar, with cysteine, which is neutral and slightly polar, at codon 487 of the DIS3L2 protein (p.Arg487Cys). This variant is present in population databases (rs376340398, gnomAD 0.003%). This variant has not been reported in the literature in individuals affected with DIS3L2-related conditions. ClinVar contains an entry for this variant (Variation ID: 844292). Invitae Evidence Modeling of protein sequence and biophysical properties (such as structural, functional, and spatial information, amino acid conservation, physicochemical variation, residue mobility, and thermodynamic stability) indicates that this missense variant is not expected to disrupt DIS3L2 protein function with a negative predictive value of 80%. In summary, the available evidence is currently insufficient to determine the role of this variant in disease. Therefore, it has been classified as a Variant of Uncertain Significance.

NM_152383.5(DIS3L2):c.1459C>T (p.Arg487Cys)

Gene: DIS3L2 (DIS3 like 3'-5' exoribonuclease 2; plus strand). Cytogenetic location: 2q37.1.
Variant type: single nucleotide variant.
Coding change: c.1459C>T on transcript NM_152383.5 (MANE Select); coding-DNA position 1459, C replaced by T.
Protein change: p.Arg487Cys; replaces arginine 487 with cysteine.
Molecular consequence: missense variant. On other transcripts: non-coding transcript variant (2).
Genome position (GRCh38, 1-based): chr2:232,263,240, C>T. VCF-style: chr2-232263240-C-T. GRCh37 (hg19) VCF-style: chr2-233127950-C-T.
Other names: c.1459C>T, p.Arg487Cys (NM_001257281.2); short protein forms R487C.
Identifiers: ClinVar variation 844292 (VCV000844292.7), dbSNP rs376340398, ClinGen allele CA66901302.